The following is an entry in ClinVar:

NM_000301.5(PLG):c.1446G>A (p.Met482Ile)

Gene: PLG (plasminogen; plus strand). Cytogenetic location: 6q26.
Variant type: single nucleotide variant.
Coding change: c.1446G>A on transcript NM_000301.5 (MANE Select); coding-DNA position 1446, G replaced by A.
Protein change: p.Met482Ile; replaces methionine 482 with isoleucine.
Molecular consequence: missense variant.
Genome position (GRCh38, 1-based): chr6:160,731,752, G>A. VCF-style: chr6-160731752-G-A. GRCh37 (hg19) VCF-style: chr6-161152784-G-A.
Other names: short protein forms M482I.
Identifiers: ClinVar variation 2159925 (VCV002159925.4), dbSNP rs753483846, ClinGen allele CA4087794.

ClinVar aggregate classification (germline): Uncertain significance (1 of 4 stars; one submission).

Allele frequency attached by ClinVar (database versions not stated): TOPMed 0.00001; ExAC 0.00002; gnomAD 0.00002; gnomAD exomes 0.00003.
gnomAD v4.1: 51 of 1,613,856 alleles (0.0032%); highest among the groups gnomAD compares: Admixed American, 0.01%; no homozygotes.

Submission:

Labcorp Genetics (formerly Invitae), Labcorp
Classification: Uncertain significance. Last evaluated: 2025-06-12. Review status: criteria provided, single submitter. Criteria: Invitae Variant Classification Sherloc (09022015). Collection method: clinical testing. Allele origin: germline.
Comment: This sequence change replaces methionine, which is neutral and non-polar, with isoleucine, which is neutral and non-polar, at codon 482 of the PLG protein (p.Met482Ile). This variant is present in population databases (rs753483846, gnomAD 0.02%). This variant has not been reported in the literature in individuals affected with PLG-related conditions. ClinVar contains an entry for this variant (Variation ID: 2159925). Invitae Evidence Modeling of protein sequence and biophysical properties (such as structural, functional, and spatial information, amino acid conservation, physicochemical variation, residue mobility, and thermodynamic stability) indicates that this missense variant is not expected to disrupt PLG protein function with a negative predictive value of 80%. In summary, the available evidence is currently insufficient to determine the role of this variant in disease. Therefore, it has been classified as a Variant of Uncertain Significance.